The following is an entry in ClinVar:

ClinVar aggregate classification (germline): Uncertain significance (1 of 4 stars; one submission).

Conditions:
Familial cancer of breast. Also called: Hereditary breast cancer; BREAST CANCER, FAMILIAL; hereditary breast carcinoma. Identifiers: Orphanet 227535, MedGen C0346153, MONDO:0016419, OMIM 114480. Disease mechanism: loss of function.

Submission:

Labcorp Genetics (formerly Invitae), Labcorp
Classification: Uncertain significance for Familial cancer of breast. Last evaluated: 2024-04-13. Review status: criteria provided, single submitter. Criteria: Invitae Variant Classification Sherloc (09022015). Collection method: clinical testing. Allele origin: germline.
Comment: This sequence change replaces glycine, which is neutral and non-polar, with serine, which is neutral and polar, at codon 700 of the BARD1 protein (p.Gly700Ser). This variant is not present in population databases (gnomAD no frequency). This variant has not been reported in the literature in individuals affected with BARD1-related conditions. An algorithm developed to predict the effect of missense changes on protein structure and function (PolyPhen-2) suggests that this variant is likely to be disruptive. In summary, the available evidence is currently insufficient to determine the role of this variant in disease. Therefore, it has been classified as a Variant of Uncertain Significance.

NM_000465.4(BARD1):c.2098G>A (p.Gly700Ser)

Gene: BARD1 (BRCA1 associated RING domain 1; minus strand). Cytogenetic location: 2q35.
Variant type: single nucleotide variant.
Coding change: c.2098G>A on transcript NM_000465.4 (MANE Select); coding-DNA position 2098, G replaced by A.
Protein change: p.Gly700Ser; replaces glycine 700 with serine.
Molecular consequence: missense variant. On other transcripts: non-coding transcript variant (3).
Genome position (GRCh38, 1-based): chr2:214,728,912, C>T on the plus strand (G>A on the coding strand, the complement: BARD1 is on the minus strand). VCF-style: chr2-214728912-C-T. GRCh37 (hg19) VCF-style: chr2-215593636-C-T.
Other names: c.2041G>A, p.Gly681Ser (NM_001282543.2); c.745G>A, p.Gly249Ser (NM_001282545.2); c.688G>A, p.Gly230Ser (NM_001282548.2); c.559G>A, p.Gly187Ser (NM_001282549.2); short protein forms G187S, G700S, G230S, G681S, G249S.
Identifiers: ClinVar variation 3710292 (VCV003710292.2).